The following is an entry in ClinVar:

ClinVar aggregate classification (germline): Uncertain significance (1 of 4 stars; one submission).

Submission:

Labcorp Genetics (formerly Invitae), Labcorp
Classification: Uncertain significance. Last evaluated: 2023-02-08. Review status: criteria provided, single submitter. Criteria: Invitae Variant Classification Sherloc (09022015). Collection method: clinical testing. Allele origin: germline.
Comment: This variant is not present in population databases (gnomAD no frequency). This sequence change replaces arginine, which is basic and polar, with threonine, which is neutral and polar, at codon 134 of the TRRAP protein (p.Arg134Thr). This variant has not been reported in the literature in individuals affected with TRRAP-related conditions. Advanced modeling of protein sequence and biophysical properties (such as structural, functional, and spatial information, amino acid conservation, physicochemical variation, residue mobility, and thermodynamic stability) performed at Invitae indicates that this missense variant is expected to disrupt TRRAP protein function. In summary, the available evidence is currently insufficient to determine the role of this variant in disease. Therefore, it has been classified as a Variant of Uncertain Significance.

NM_001375524.1(TRRAP):c.401G>C (p.Arg134Thr)

Gene: TRRAP (transformation/transcription domain associated protein; plus strand). Cytogenetic location: 7q22.1.
Variant type: single nucleotide variant.
Coding change: c.401G>C on transcript NM_001375524.1 (MANE Select); coding-DNA position 401, G replaced by C.
Protein change: p.Arg134Thr; replaces arginine 134 with threonine.
Molecular consequence: missense variant.
Genome position (GRCh38, 1-based): chr7:98,893,832, G>C. VCF-style: chr7-98893832-G-C. GRCh37 (hg19) VCF-style: chr7-98491455-G-C.
Other names: c.401G>C, p.Arg134Thr (NM_001244580.2, NM_003496.4); short protein forms R134T.
Identifiers: ClinVar variation 2835500 (VCV002835500.3), dbSNP rs2484661254, ClinGen allele CA368278178.
Genomic context (GRCh38, chr7:98,893,832, plus strand): 5'-AACTTTCATTAAATGCTTTTTTTTAGACGGAAAATGAAGAAAATGTTCTTATTTGTCTAA[G>C]AATAATTATTGAGCTACACAAACAGTTCAGGCCACCGATCACACAAGAAGTAAGTTGTTT-3'
Protein context (NP_001362453.1, residues 124-144): ENEENVLICL[Arg134Thr]IIIELHKQFR